The following is an entry in ClinVar:

NM_152419.3(HGSNAT):c.150del (p.Met51fs)

Gene: HGSNAT (heparan-alpha-glucosaminide N-acetyltransferase; plus strand). Cytogenetic location: 8p11.21.
Variant type: Deletion.
Coding change: c.150del on transcript NM_152419.3 (MANE Select); coding-DNA position 150, one base deleted (G; older notation c.150delG).
Protein change: p.Met51fs; shifts the reading frame from methionine 51.
Molecular consequence: frameshift variant. On other transcripts: 5 prime UTR variant (1).
Genome position (GRCh38, 1-based): chr8:43,146,979, G deleted. VCF-style (leftmost placement, unchanged base first): chr8-43146978-AG-A. GRCh37 (hg19) VCF-style: chr8-43002121-AG-A.
Other names: c.150del, p.Met51fs (NM_001363227.2, NM_001363228.2); c.-684del (NM_001363229.2); short protein forms M51fs.
Identifiers: ClinVar variation 941073 (VCV000941073.6), dbSNP rs1802737867, ClinGen allele CA1139660516.

ClinVar aggregate classification (germline): Pathogenic (1 of 4 stars; one submission).

Conditions:
Mucopolysaccharidosis, MPS-III-C (MPS3C). Also called: mucopolysaccharidosis type 3C; MUCOPOLYSACCHARIDOSIS, TYPE IIIC; SANFILIPPO SYNDROME C; MPS III C; Mucopolysaccharidosis type IIIC (Sanfilippo C); MPS IIIC (Sanfilippo Syndrome Type C). Identifiers: Orphanet 581, Orphanet 79271, MedGen C0086649, MONDO:0009657, OMIM 252930.
Retinitis pigmentosa 73 (RP73). Identifiers: Orphanet 791, MedGen C4225287, MONDO:0014687, OMIM 616544.

Allele frequency attached by ClinVar (database versions not stated): TOPMed below 0.00001.

Submission:

Labcorp Genetics (formerly Invitae), Labcorp
Classification: Pathogenic for Retinitis pigmentosa 73; Mucopolysaccharidosis, MPS-III-C. Last evaluated: 2023-12-30. Review status: criteria provided, single submitter. Criteria: Invitae Variant Classification Sherloc (09022015). Collection method: clinical testing. Allele origin: germline.
Comment: This sequence change creates a premature translational stop signal (p.Met51Trpfs*17) in the HGSNAT gene. It is expected to result in an absent or disrupted protein product. Loss-of-function variants in HGSNAT are known to be pathogenic (PMID: 17033958, 19479962). This variant is not present in population databases (gnomAD no frequency). This variant has not been reported in the literature in individuals affected with HGSNAT-related conditions. ClinVar contains an entry for this variant (Variation ID: 941073). For these reasons, this variant has been classified as Pathogenic.

Literature cited by the submitters: PubMed 17033958; PubMed 19479962.